The following is an entry in ClinVar:

ClinVar aggregate classification (germline): Pathogenic. Review status: criteria provided, single submitter (1 of 4 stars). 3 submissions from 2 submitters: Pathogenic (1). 2 of the submissions do not count toward it. Last evaluated 2026-01-02.

Submissions (3):

Labcorp Genetics (formerly Invitae), Labcorp
Classification: Pathogenic. Last evaluated: 2026-01-02. Review status: criteria provided, single submitter. Criteria: Invitae Variant Classification Sherloc (09022015). Collection method: clinical testing. Allele origin: germline.
Comment: This variant, c.383_385del, results in the deletion of 1 amino acid(s) of the KRT14 protein (p.Ser128del), but otherwise preserves the integrity of the reading frame. This variant is not present in population databases (gnomAD no frequency). This variant has been observed in individual(s) with autosomal dominant epidermolysis bullosa simplex (PMID: 12603865, 21375516, 36287101; internal data). In at least one individual the variant was observed to be de novo. This variant disrupts a region of the KRT14 protein in which other variant(s) (p.Ser128Pro) have been observed in individuals with KRT14-related conditions (PMID: 20030639). This suggests that this is a clinically significant region of the protein, and that variants that disrupt it are likely to be disease-causing. For these reasons, this variant has been classified as Pathogenic.

Epithelial Biology;  Institute of Medical Biology, Singapore
No classification provided. Review status: no classification provided. Collection method: not provided. Allele origin: not provided. Not counted in ClinVar's aggregate classification.

Epithelial Biology;  Institute of Medical Biology, Singapore
No classification provided. Review status: flagged submission. Collection method: not provided. Allele origin: not provided. Not counted in ClinVar's aggregate classification.
ClinVar note: Reason: This record appears to be redundant with a more recent record from the same submitter.
ClinVar note: Notes: SCV000087835 appears to be redundant with SCV000087836.

Literature cited by the submitters: PubMed 12603865 (cited by Labcorp Genetics (formerly Invitae), Labcorp); PubMed 21375516 (cited by Labcorp Genetics (formerly Invitae), Labcorp); PubMed 36287101 (cited by Labcorp Genetics (formerly Invitae), Labcorp); PubMed 20030639 (cited by Labcorp Genetics (formerly Invitae), Labcorp).

NM_000526.5(KRT14):c.380CCT[1] (p.Ser128del)

Gene: KRT14 (keratin 14; minus strand). Cytogenetic location: 17q21.2.
Variant type: Microsatellite.
Coding change: c.380CCT[1] on transcript NM_000526.5 (MANE Select); one copy of the 3-base unit CCT starting at c.380; the reference has two copies in a row; one copy, 3 bases deleted.
Protein change: p.Ser128del; deletes serine 128.
Molecular consequence: inframe deletion.
Genome position (GRCh38, 1-based): chr17:41,586,450-41,586,452, AGG deleted on the plus strand (CCT on the coding strand, the reverse complement: KRT14 is on the minus strand); deleting any 3 consecutive bases within chr17:41,586,450-41,586,455 gives the same sequence; the position shown is the placement nearest the transcript's 3' end. VCF-style (leftmost placement, unchanged base first): chr17-41586449-TAGG-T. GRCh37 (hg19) VCF-style: chr17-39742701-TAGG-T.
Other names: short protein forms S128del.
Identifiers: ClinVar variation 66352 (VCV000066352.6), dbSNP rs61221088, ClinGen allele CA216929.